The following is an entry in ClinVar:

ClinVar aggregate classification (germline): Conflicting classifications of pathogenicity. Review status: criteria provided, conflicting classifications (1 of 4 stars). 10 submissions from 10 submitters: Uncertain significance (4); Benign (1); Likely benign (4). 1 of the submissions does not count toward it. Last evaluated 2026-02-01.

Conditions:
Familial focal epilepsy with variable foci (FPEVF). Identifiers: Orphanet 98820, MedGen C1858477, MONDO:0020310.
Inborn genetic diseases. Identifiers: MedGen C0950123, MeSH D030342.
DEPDC5-related disorder. Also called: DEPDC5-related condition; DEPDC5-related related disorder.
Epilepsy, familial focal, with variable foci 1 (FFEVF1). Also called: DEPDC5-Related Epilepsy. Identifiers: MedGen C4551983, MONDO:0024556, OMIM 604364.

Allele frequency attached by ClinVar (database versions not stated): gnomAD exomes 0.00032 and 0.00071; ExAC 0.00043; gnomAD 0.00045 and 0.00049; TOPMed 0.00045; ESP Exome Variant Server 0.00064.
gnomAD v4.1: 1,085 of 1,614,028 alleles (0.067%); highest among the groups gnomAD compares: Non-Finnish European, 0.088%; no homozygotes.

Submissions (10):

CeGaT Center for Human Genetics Tuebingen
Classification: Likely benign. Last evaluated: 2026-02-01. Review status: criteria provided, single submitter. Criteria: CeGaT Center For Human Genetics Tuebingen Variant Classification Criteria Version 2. Collection method: clinical testing. Allele origin: germline. Affected: yes. Observed: 6 variant alleles.
Comment: DEPDC5: BP4, BS1:Supporting, BS2

Labcorp Genetics (formerly Invitae), Labcorp
Classification: Likely benign for Familial focal epilepsy with variable foci. Last evaluated: 2025-12-15. Review status: criteria provided, single submitter. Criteria: Invitae Variant Classification Sherloc (09022015). Collection method: clinical testing. Allele origin: germline.

Ambry Genetics
Classification: Likely benign for Inborn genetic diseases. Last evaluated: 2025-07-21. Review status: criteria provided, single submitter. Criteria: Ambry Variant Classification Scheme 2023. Collection method: clinical testing. Allele origin: germline.

Blueprint Genetics
Classification: Likely benign. Last evaluated: 2024-11-11. Review status: criteria provided, single submitter. Criteria: ACMG Guidelines, 2015. Collection method: clinical testing. Allele origin: germline.

Institute for Clinical Genetics, University Hospital TU Dresden, University Hospital TU Dresden
Classification: Uncertain significance. Last evaluated: 2021-11-03. Review status: criteria provided, single submitter. Criteria: ACMG Guidelines, 2015. Collection method: clinical testing. Allele origin: germline.

Center for Genomics, Ann and Robert H. Lurie Children's Hospital of Chicago
Classification: Uncertain significance for Epilepsy, familial focal, with variable foci 1. Last evaluated: 2021-03-30. Review status: criteria provided, single submitter. Criteria: ACMG Guidelines, 2015. Collection method: clinical testing. Allele origin: germline.
Comment: DEPDC5 NM_001242896.1 exon 21 p.Arg509Cys (c.1525C>T): This variant has not been reported in the literature but is present in 0.09% (63/64570) of European alleles in the Genome Aggregation Database. This variant is present in ClinVar (Variation ID:420430); of note, one submitter in ClinVar identifies at least one non-segregation for this variant within their internal databases. Evolutionary conservation suggests that this variant may not impact the protein; computational predictive tools suggest that this variant may impact the protein. In summary, data on this variant is insufficient for disease classification. Therefore, the clinical significance of this variant is uncertain.

GeneDx
Classification: Benign. Last evaluated: 2020-07-06. Review status: criteria provided, single submitter. Criteria: GeneDx Variant Classification Process June 2021. Collection method: clinical testing. Allele origin: germline. Affected: yes.

Revvity Omics, Revvity
Classification: Uncertain significance. Last evaluated: 2020-06-19. Review status: criteria provided, single submitter. Criteria: ACMG Guidelines, 2015. Collection method: clinical testing. Allele origin: germline.

Fulgent Genetics
Classification: Uncertain significance for Epilepsy, familial focal, with variable foci 1. Last evaluated: 2018-10-31. Review status: criteria provided, single submitter. Criteria: ACMG Guidelines, 2015. Collection method: clinical testing. Allele origin: unknown.

PreventionGenetics, part of Exact Sciences
Classification: Likely benign for DEPDC5-related condition. Last evaluated: 2023-05-08. Review status: no assertion criteria provided. Collection method: clinical testing. Allele origin: germline. Not counted in ClinVar's aggregate classification.
Comment: This variant is classified as likely benign based on ACMG/AMP sequence variant interpretation guidelines (Richards et al. 2015 PMID: 25741868, with internal and published modifications).

NM_001242896.3(DEPDC5):c.1525C>T (p.Arg509Cys)

Gene: DEPDC5 (DEP domain containing 5, GATOR1 subcomplex subunit; plus strand). Cytogenetic location: 22q12.3.
Variant type: single nucleotide variant.
Coding change: c.1525C>T on transcript NM_001242896.3 (MANE Select); coding-DNA position 1525, C replaced by T.
Protein change: p.Arg509Cys; replaces arginine 509 with cysteine.
Molecular consequence: missense variant. On other transcripts: non-coding transcript variant (5).
Genome position (GRCh38, 1-based): chr22:31,815,071, C>T. VCF-style: chr22-31815071-C-T. GRCh37 (hg19) VCF-style: chr22-32211057-C-T.
Other names: c.1525C>T, p.Arg509Cys (NM_001007188.4, NM_001136029.4, NM_001242897.2 and 7 more transcripts); c.1441C>T, p.Arg481Cys (NM_001369901.1, NM_001369902.1); short protein forms R509C, R481C.
Identifiers: ClinVar variation 420430 (VCV000420430.55), dbSNP rs202083639, ClinGen allele CA10196397.